The following is an entry in ClinVar:

ClinVar aggregate classification (germline): Uncertain significance (1 of 4 stars; one submission).

Conditions:
Hereditary cancer-predisposing syndrome. Also called: Neoplastic Syndromes, Hereditary; Tumor predisposition; Hereditary neoplastic syndrome; Hereditary Cancer Syndrome. Identifiers: Orphanet 140162, MedGen C0027672, MeSH D009386, MONDO:0015356.

Submission:

Labcorp Genetics (formerly Invitae), Labcorp
Classification: Uncertain significance for Hereditary cancer-predisposing syndrome. Last evaluated: 2021-01-29. Review status: criteria provided, single submitter. Criteria: Invitae Variant Classification Sherloc (09022015). Collection method: clinical testing. Allele origin: germline.
Comment: This variant, c.3758_3760del, results in the deletion of 1 amino acid(s) of the RAD50 protein (p.Ile1253del), but otherwise preserves the integrity of the reading frame. This variant is not present in population databases (ExAC no frequency). This variant has not been reported in the literature in individuals with RAD50-related conditions. Experimental studies and prediction algorithms are not available or were not evaluated, and the functional significance of this variant is currently unknown. In summary, the available evidence is currently insufficient to determine the role of this variant in disease. Therefore, it has been classified as a Variant of Uncertain Significance.

NM_005732.4(RAD50):c.3755TAA[1] (p.Ile1253del)

Genes: TH2LCRR (T helper type 2 locus control region associated RNA; minus strand), RAD50 (RAD50 double strand break repair protein; plus strand), TH2-LCR (Th2 cytokine locus control region; plus strand). Cytogenetic location: 5q31.1.
Variant type: Microsatellite.
Coding change: c.3755TAA[1] on transcript NM_005732.4 (MANE Select); one copy of the 3-base unit TAA starting at c.3755; the reference has two copies in a row; one copy, 3 bases deleted.
Protein change: p.Ile1253del; deletes isoleucine 1253.
Molecular consequence: inframe deletion.
Genome position (GRCh38, 1-based): chr5:132,642,183-132,642,185, TAA deleted; deleting any 3 consecutive bases within chr5:132,642,179-132,642,185 gives the same sequence; the position shown is the placement nearest the transcript's 3' end. VCF-style (leftmost placement, unchanged base first): chr5-132642178-GATA-G. GRCh37 (hg19) VCF-style: chr5-131977870-GATA-G.
Other names: short protein forms I1253del.
Identifiers: ClinVar variation 1367541 (VCV001367541.8), dbSNP rs2149866800, ClinGen allele CA2580612770.